The following is an entry in ClinVar:

NM_014714.4(IFT140):c.1968T>C (p.Ser656=)

Gene: IFT140 (intraflagellar transport 140; minus strand). Cytogenetic location: 16p13.3.
Variant type: single nucleotide variant.
Coding change: c.1968T>C on transcript NM_014714.4 (MANE Select); coding-DNA position 1968, T replaced by C.
Protein change: p.Ser656=; no amino-acid change (serine 656 retained).
Molecular consequence: synonymous variant.
Genome position (GRCh38, 1-based): chr16:1,564,096, A>G on the plus strand (T>C on the coding strand, the complement: IFT140 is on the minus strand). VCF-style: chr16-1564096-A-G. GRCh37 (hg19) VCF-style: chr16-1614097-A-G.
Other names: p.Ser656=.
Identifiers: ClinVar variation 129258 (VCV000129258.26), dbSNP rs8048410, ClinGen allele CA153141.

ClinVar aggregate classification (germline): Benign. Review status: criteria provided, multiple submitters, no conflicts (2 of 4 stars). 13 submissions from 12 submitters: Benign (11). 2 of the submissions do not count toward it. Last evaluated 2026-02-04.

Conditions:
Retinitis pigmentosa 80 (RP80). Identifiers: MedGen C4540439, MONDO:0054708, OMIM 617781.
Retinal dystrophy. Also called: Inherited retinal dystrophy. Identifiers: Orphanet 71862, MedGen C0854723, MeSH D058499, MONDO:0019118, HP:0000556.
Saldino-Mainzer syndrome (SRTD9). Also called: short-rib thoracic dysplasia 9 with or without polydactyly; CONORENAL SYNDROME; SHORT-RIB THORACIC DYSPLASIA 9 WITHOUT POLYDACTYLY; Renal dysplasia, retinal pigmentary dystrophy, cerebellar ataxia and skeletal dysplasia. Identifiers: Orphanet 140969, MedGen C1849437, MONDO:0009964, OMIM 266920.

Allele frequency attached by ClinVar (database versions not stated): gnomAD exomes 0.33204 and 0.39055; ExAC 0.39087; ESP Exome Variant Server 0.42299; gnomAD 0.42936 and 0.42981; TOPMed 0.44073; 1000 Genomes Project 0.50519; 1000 Genomes Project 30x 0.50656.
gnomAD v4.1: 547,326 of 1,598,702 alleles (34%); highest among the groups gnomAD compares: African/African-American, 66%; 101,379 homozygotes.

Submissions (13):

Labcorp Genetics (formerly Invitae), Labcorp
Classification: Benign for Saldino-Mainzer syndrome. Last evaluated: 2026-02-04. Review status: criteria provided, single submitter. Criteria: Invitae Variant Classification Sherloc (09022015). Collection method: clinical testing. Allele origin: germline.

Women's Health and Genetics/Laboratory Corporation of America, LabCorp
Classification: Benign. Last evaluated: 2025-09-08. Review status: criteria provided, single submitter. Criteria: LabCorp Variant Classification Summary - May 2015. Collection method: clinical testing. Allele origin: germline.

Blueprint Genetics
Classification: Benign. Last evaluated: 2024-11-28. Review status: criteria provided, single submitter. Criteria: ACMG Guidelines, 2015. Collection method: clinical testing. Allele origin: germline.

Dept Of Ophthalmology, Nagoya University
Classification: Benign for Retinal dystrophy. Last evaluated: 2023-10-01. Review status: criteria provided, single submitter. Criteria: Submitter's publication. Collection method: research. Allele origin: germline. Affected: yes.

Mayo Clinic Laboratories, Mayo Clinic
Classification: Benign. Last evaluated: 2022-03-09. Review status: criteria provided, single submitter. Criteria: ACMG Guidelines, 2015. Collection method: clinical testing. Allele origin: germline. Observed: 45 variant alleles.

Genome-Nilou Lab
Classification: Benign for Retinitis pigmentosa 80. Last evaluated: 2021-07-14. Review status: criteria provided, single submitter. Criteria: ACMG Guidelines, 2015. Collection method: clinical testing. Allele origin: germline. Affected: no.

Genome-Nilou Lab
Classification: Benign for Saldino-Mainzer syndrome. Last evaluated: 2021-07-14. Review status: criteria provided, single submitter. Criteria: ACMG Guidelines, 2015. Collection method: clinical testing. Allele origin: germline. Affected: no.

Illumina Laboratory Services, Illumina
Classification: Benign for Saldino-Mainzer syndrome. Last evaluated: 2018-01-13. Review status: criteria provided, single submitter. Criteria: ICSL Variant Classification Criteria 13 December 2019. Collection method: clinical testing. Allele origin: germline.
Comment: This variant was observed in the ICSL laboratory as part of a predisposition screen in an ostensibly healthy population. It had not been previously curated by ICSL or reported in the Human Gene Mutation Database (HGMD: prior to June 1st, 2018), and was therefore a candidate for classification through an automated scoring system. Utilizing variant allele frequency, disease prevalence and penetrance estimates, and inheritance mode, an automated score was calculated to assess if this variant is too frequent to cause the disease. Based on the score and internal cut-off values, a variant classified as benign is not then subjected to further curation. The score for this variant resulted in a classification of benign for this disease.

GeneDx
Classification: Benign. Last evaluated: 2017-09-13. Review status: criteria provided, single submitter. Criteria: GeneDx Variant Classification (06012015). Collection method: clinical testing. Allele origin: germline. Affected: yes.
Comment: This variant is considered likely benign or benign based on one or more of the following criteria: it is a conservative change, it occurs at a poorly conserved position in the protein, it is predicted to be benign by multiple in silico algorithms, and/or has population frequency not consistent with disease.

Clinical Genetics DNA and cytogenetics Diagnostics Lab, Erasmus MC, Erasmus Medical Center
Classification: Benign for Saldino-Mainzer syndrome. Last evaluated: 2015-09-21. Review status: criteria provided, single submitter. Criteria: ACGS Guidelines, 2013. Collection method: clinical testing. Allele origin: germline. Affected: yes. Study: VKGL Data-share Consensus.

Breakthrough Genomics
Classification: Benign. Review status: criteria provided, single submitter. Criteria: ACMG Guidelines, 2015. Collection method: not provided. Allele origin: germline. Inheritance: Autosomal recessive inheritance. Affected: yes.

Diagnostic Laboratory, Department of Genetics, University Medical Center Groningen
Classification: Benign for Saldino-Mainzer syndrome. Review status: no assertion criteria provided. Collection method: clinical testing. Allele origin: germline. Affected: yes. Study: VKGL Data-share Consensus. Not counted in ClinVar's aggregate classification.

Genetic Services Laboratory, University of Chicago
Classification: Likely benign for AllHighlyPenetrant. Review status: no assertion criteria provided. Collection method: clinical testing. Allele origin: germline. Inheritance: Autosomal recessive inheritance. Not counted in ClinVar's aggregate classification.
Comment: Likely benign based on allele frequency in 1000 Genomes Project or ESP global frequency and its presence in a patient with a rare or unrelated disease phenotype. NOT Sanger confirmed.